The following is an entry in ClinVar:

NM_000350.3(ABCA4):c.3468C>G (p.Tyr1156Ter)

Gene: ABCA4 (ATP binding cassette subfamily A member 4; minus strand). Cytogenetic location: 1p22.1.
Variant type: single nucleotide variant.
Coding change: c.3468C>G on transcript NM_000350.3 (MANE Select); coding-DNA position 3468, C replaced by G.
Protein change: p.Tyr1156Ter; replaces tyrosine 1156 with a stop codon.
Molecular consequence: nonsense.
Genome position (GRCh38, 1-based): chr1:94,041,263, G>C on the plus strand (C>G on the coding strand, the complement: ABCA4 is on the minus strand). VCF-style: chr1-94041263-G-C. GRCh37 (hg19) VCF-style: chr1-94506819-G-C.
Other names: NM_000350.3:c.3468C>G; c.3246C>G, p.Tyr1082Ter (NM_001425324.1); short protein forms Y1082*, Y1156*.
Identifiers: ClinVar variation 4538558 (VCV004538558.1).

ClinVar aggregate classification (germline): Pathogenic (3 of 4 stars; one submission).

Conditions:
ABCA4-related retinopathy. Also called: ABCA4-related retinoapthy; ABCA4 retinoapthy. Identifiers: MedGen CN322612, MONDO:0800406.

Submission:

ClinGen ABCA4 Variant Curation Expert Panel, Clingen
Classification: Pathogenic for ABCA4-related retinopathy. Last evaluated: 2025-12-05. Review status: reviewed by expert panel. Criteria: ClinGen ABCA4 ACMG Specifications V1.0.0. Collection method: curation. Allele origin: germline. Inheritance: Autosomal recessive inheritance.
Comment: The NM_000350.3(ABCA4):c.3468C>G (p.Tyr1156Ter) variant in ABCA4 is a nonsense variant predicted to cause a premature stop codon in biologically relevant exon 23 out of 50 leading to nonsense mediated decay in a gene in which loss-of-function is an established disease mechanism (PVS1). This variant is absent from gnomAD v4.0.0 (PM2_Supporting). The prevalence of the variant in affected individuals is significantly increased compared with the prevalence in controls with an OR of infinity and the CI is 2.24-infinity, which is above the ABCA4 VCEP threshold of >5, where the CI does not contain 1 (PS4; PMID: 35120629). This variant has been detected in at least 1 individual with ABCA4-related retinopathy who is a compound heterozygote for the variant and a pathogenic variant (c.6289C>T; p.Pro2097Ser) which was not confirmed in trans by parental testing (PM3_Supporting; PMID: 37774808). In summary, this variant meets the criteria to be classified as pathogenic for ABCA4-related retinopathy based on the ACMG/AMP criteria applied, as specified by the ClinGen ABCA4 VCEP (Specification Version 1.0): PVS1, PS4, PM3_Supporting, PM2_Supporting.